The following is an entry in ClinVar:

ClinVar aggregate classification (germline): Uncertain significance. Review status: criteria provided, multiple submitters, no conflicts (2 of 4 stars). 3 submissions from 3 submitters: Uncertain significance (3). Last evaluated 2022-05-04.

Conditions:
Emery-Dreifuss muscular dystrophy 5, autosomal dominant (EDMD5). Also called: EMERY-DREIFUSS MUSCULAR DYSTROPHY 5. Identifiers: Orphanet 261, MedGen C2751805, MONDO:0013072, OMIM 612999.

Allele frequency attached by ClinVar (database versions not stated): gnomAD exomes below 0.00001 and 0.00001; TOPMed below 0.00001; ExAC 0.00001; gnomAD 0.00001; 1000 Genomes Project 30x 0.00016; 1000 Genomes Project 0.00020.
gnomAD v4.1: 6 of 1,613,954 alleles (0.00037%); highest among the groups gnomAD compares: Admixed American, 0.0067%; no homozygotes.

Submissions (3):

Labcorp Genetics (formerly Invitae), Labcorp
Classification: Uncertain significance for Emery-Dreifuss muscular dystrophy 5, autosomal dominant. Last evaluated: 2022-05-04. Review status: criteria provided, single submitter. Criteria: Invitae Variant Classification Sherloc (09022015). Collection method: clinical testing. Allele origin: germline.
Comment: This sequence change replaces aspartic acid, which is acidic and polar, with asparagine, which is neutral and polar, at codon 5287 of the SYNE2 protein (p.Asp5287Asn). This variant is present in population databases (rs188953744, gnomAD 0.006%). This variant has not been reported in the literature in individuals affected with SYNE2-related conditions. ClinVar contains an entry for this variant (Variation ID: 282895). Algorithms developed to predict the effect of missense changes on protein structure and function are either unavailable or do not agree on the potential impact of this missense change (SIFT: "Tolerated"; PolyPhen-2: "Possibly Damaging"; Align-GVGD: "Class C0"). In summary, the available evidence is currently insufficient to determine the role of this variant in disease. Therefore, it has been classified as a Variant of Uncertain Significance.

Revvity Omics, Revvity
Classification: Uncertain significance for Emery-Dreifuss muscular dystrophy 5, autosomal dominant. Last evaluated: 2020-04-02. Review status: criteria provided, single submitter. Criteria: ACMG Guidelines, 2015. Collection method: clinical testing. Allele origin: germline.

Eurofins Ntd Llc (ga)
Classification: Uncertain significance. Last evaluated: 2015-09-01. Review status: criteria provided, single submitter. Criteria: EGL Classification Definitions 2015. Collection method: clinical testing. Allele origin: germline. Observed: 1 variant allele, 1 heterozygote.

NM_182914.3(SYNE2):c.15859G>A (p.Asp5287Asn)

Gene: SYNE2 (spectrin repeat containing nuclear envelope protein 2; plus strand). Cytogenetic location: 14q23.2.
Variant type: single nucleotide variant.
Coding change: c.15859G>A on transcript NM_182914.3 (MANE Select); coding-DNA position 15859, G replaced by A.
Protein change: p.Asp5287Asn; replaces aspartic acid 5287 with asparagine.
Molecular consequence: missense variant.
Genome position (GRCh38, 1-based): chr14:64,158,691, G>A. VCF-style: chr14-64158691-G-A. GRCh37 (hg19) VCF-style: chr14-64625409-G-A.
Other names: c.15859G>A, p.Asp5287Asn (NM_015180.6); short protein forms D5287N.
Identifiers: ClinVar variation 282895 (VCV000282895.15), dbSNP rs188953744, ClinGen allele CA7223207.